The following is an entry in ClinVar:

NM_001323289.2(CDKL5):c.411del (p.Lys137fs)

Gene: CDKL5 (cyclin dependent kinase like 5; plus strand). Cytogenetic location: Xp22.13.
Variant type: Deletion.
Coding change: c.411del on transcript NM_001323289.2 (MANE Select); coding-DNA position 411, one base deleted (A; older notation c.411delA).
Protein change: p.Lys137fs; shifts the reading frame from lysine 137.
Molecular consequence: frameshift variant.
Genome position (GRCh38, 1-based): chrX:18,581,898, A deleted; the last of 4 consecutive A bases (chrX:18,581,895-18,581,898); deleting any one gives the same sequence. VCF-style (leftmost placement, unchanged base first): chrX-18581894-TA-T. GRCh37 (hg19) VCF-style: chrX-18600014-TA-T.
Other names: c.411del, p.Lys137fs (NM_001037343.2, NM_003159.3); short protein forms K137fs.
Identifiers: ClinVar variation 4845263 (VCV004845263.1).

ClinVar aggregate classification (germline): Likely pathogenic (0 of 4 stars; one submission).

Conditions:
Developmental and epileptic encephalopathy, 2 (DEE2). Also called: INFANTILE SPASM SYNDROME, X-LINKED 2; CDKL5 deficiency disorder. Identifiers: Orphanet 1934, Orphanet 3451, Orphanet 505652, MedGen C4750718, MONDO:0010396, OMIM 300672.

Submission:

Diagnostics Centre, Carl Von Ossietzky University Oldenburg
Classification: Likely pathogenic for Developmental and epileptic encephalopathy, 2. Last evaluated: 2025-07-03. Review status: no assertion criteria provided. Collection method: clinical testing. Allele origin: germline. Affected: yes. Observed: 1 variant allele.
Comment: The variant CDKL5:c.411del p.(Lys137Asnfs*6), located in the exon 7 of the CDKL5 gene results from a deletion of an adenine at nucleotide position c.411. The change results in a frameshift at protein position 137 and the formation of a premature stop codon after six amino acids. The variant affects an exon [7/21] present in a biologically relevant transcript and is predicted to cause protein truncation/absent due to nonsense mediated decay, in a gene where loss-of-function is a known mechanism of disease. The variant has not yet been described in ClinVar or in any publications known to us. The variant is classified as very rare since it is absent in gnomAD v4.1.0. In summary, the variant is classified as Likely pathogenic.